The following is an entry in ClinVar:

ClinVar aggregate classification (germline): Uncertain significance (1 of 4 stars; one submission).

Allele frequency attached by ClinVar (database versions not stated): ExAC 0.00001; TOPMed 0.00004; gnomAD 0.00005.
gnomAD v4.1: 27 of 1,614,070 alleles (0.0017%); highest among the groups gnomAD compares: Non-Finnish European, 0.0019%; no homozygotes.

Submission:

Labcorp Genetics (formerly Invitae), Labcorp
Classification: Uncertain significance. Last evaluated: 2025-01-13. Review status: criteria provided, single submitter. Criteria: Invitae Variant Classification Sherloc (09022015). Collection method: clinical testing. Allele origin: germline.
Comment: This sequence change replaces asparagine, which is neutral and polar, with lysine, which is basic and polar, at codon 703 of the MYH7B protein (p.Asn703Lys). This variant is present in population databases (rs777458980, gnomAD 0.003%). This variant has not been reported in the literature in individuals affected with MYH7B-related conditions. ClinVar contains an entry for this variant (Variation ID: 2416377). Invitae Evidence Modeling of protein sequence and biophysical properties (such as structural, functional, and spatial information, amino acid conservation, physicochemical variation, residue mobility, and thermodynamic stability) indicates that this missense variant is expected to disrupt MYH7B protein function with a positive predictive value of 80%. In summary, the available evidence is currently insufficient to determine the role of this variant in disease. Therefore, it has been classified as a Variant of Uncertain Significance.

NM_020884.7(MYH7B):c.1983C>A (p.Asn661Lys)

Gene: MYH7B (myosin heavy chain 7B; plus strand). Cytogenetic location: 20q11.22.
Variant type: single nucleotide variant.
Coding change: c.1983C>A on transcript NM_020884.7 (MANE Select); coding-DNA position 1983, C replaced by A.
Protein change: p.Asn661Lys; replaces asparagine 661 with lysine.
Molecular consequence: missense variant.
Genome position (GRCh38, 1-based): chr20:34,990,743, C>A. VCF-style: chr20-34990743-C-A. GRCh37 (hg19) VCF-style: chr20-33578546-C-A.
Other names: short protein forms N661K.
Identifiers: ClinVar variation 2416377 (VCV002416377.6), dbSNP rs777458980, ClinGen allele CA9827189.